The following is an entry in ClinVar:

NM_000051.4(ATM):c.6273G>A (p.Trp2091Ter)

Genes: ATM (ATM serine/threonine kinase; plus strand), C11orf65 (chromosome 11 open reading frame 65; minus strand). Cytogenetic location: 11q22.3.
Variant type: single nucleotide variant.
Coding change: c.6273G>A on transcript NM_000051.4 (MANE Select); coding-DNA position 6273, G replaced by A.
Protein change: p.Trp2091Ter; replaces tryptophan 2091 with a stop codon.
Molecular consequence: nonsense. On other transcripts: intron variant (2).
Genome position (GRCh38, 1-based): chr11:108,317,447, G>A. VCF-style: chr11-108317447-G-A. GRCh37 (hg19) VCF-style: chr11-108188174-G-A.
Other names: c.6273G>A, p.Trp2091Ter (NM_001351834.2); c.641-8376C>T (NM_001330368.2); c.*39-8376C>T (NM_001351110.2); short protein forms W2091*.
Identifiers: ClinVar variation 1460438 (VCV001460438.8), dbSNP rs2136166539, ClinGen allele CA382551958.
Genomic context (GRCh38, chr11:108,317,447, plus strand): 5'-GGGACTCTGCCATATTCTTTCCGTCTATTTAAAAGGATTGGATTATGAAAATAAAGACTG[G>A]TGTCCTGAACTAGAAGAACTTCATTACCAAGCAGCATGGAGGAATATGCAGTGGGACCAT-3'

ClinVar aggregate classification (germline): Pathogenic. Review status: criteria provided, multiple submitters, no conflicts (2 of 4 stars). 2 submissions from 2 submitters: Pathogenic (2). Last evaluated 2023-01-31.

Conditions:
Hereditary cancer-predisposing syndrome. Also called: Neoplastic Syndromes, Hereditary; Tumor predisposition; Hereditary Cancer Syndrome; Hereditary neoplastic syndrome. Identifiers: Orphanet 140162, MedGen C0027672, MeSH D009386, MONDO:0015356.
Ataxia-telangiectasia syndrome (AT). Also called: LOUIS-BAR SYNDROME; Cerebello-oculocutaneous telangiectasia; Immunodeficiency with ataxia telangiectasia; Ataxia telangiectasia (A-T); Ataxia-telangiectasia, complementation group D; AT, COMPLEMENTATION GROUP C. Identifiers: Orphanet 100, MedGen C0004135, MONDO:0008840, OMIM 208900.

Submissions (2):

Ambry Genetics
Classification: Pathogenic for Hereditary cancer-predisposing syndrome. Last evaluated: 2023-01-31. Review status: criteria provided, single submitter. Criteria: Ambry Variant Classification Scheme 2023. Collection method: clinical testing. Allele origin: germline.
Comment: The p.W2091* pathogenic mutation (also known as c.6273G>A), located in coding exon 42 of the ATM gene, results from a G to A substitution at nucleotide position 6273. This changes the amino acid from a tryptophan to a stop codon within coding exon 42. This variant is considered to be rare based on population cohorts in the Genome Aggregation Database (gnomAD). This alteration is expected to result in loss of function by premature protein truncation or nonsense-mediated mRNA decay. As such, this alteration is interpreted as a disease-causing mutation.

Labcorp Genetics (formerly Invitae), Labcorp
Classification: Pathogenic for Ataxia-telangiectasia syndrome. Last evaluated: 2022-02-17. Review status: criteria provided, single submitter. Criteria: Invitae Variant Classification Sherloc (09022015). Collection method: clinical testing. Allele origin: germline.
Comment: For these reasons, this variant has been classified as Pathogenic. This variant has not been reported in the literature in individuals affected with ATM-related conditions. This variant is not present in population databases (gnomAD no frequency). This sequence change creates a premature translational stop signal (p.Trp2091*) in the ATM gene. It is expected to result in an absent or disrupted protein product. Loss-of-function variants in ATM are known to be pathogenic (PMID: 23807571, 25614872).

Literature cited by the submitters: PubMed 23807571 (cited by Labcorp Genetics (formerly Invitae), Labcorp); PubMed 25614872 (cited by Labcorp Genetics (formerly Invitae), Labcorp).